The following is an entry in ClinVar:

NM_152419.3(HGSNAT):c.540A>G (p.Ile180Met)

Gene: HGSNAT (heparan-alpha-glucosaminide N-acetyltransferase; plus strand). Cytogenetic location: 8p11.21.
Variant type: single nucleotide variant.
Coding change: c.540A>G on transcript NM_152419.3 (MANE Select); coding-DNA position 540, A replaced by G.
Protein change: p.Ile180Met; replaces isoleucine 180 with methionine.
Molecular consequence: missense variant. On other transcripts: 5 prime UTR variant (1).
Genome position (GRCh38, 1-based): chr8:43,161,484, A>G. VCF-style: chr8-43161484-A-G. GRCh37 (hg19) VCF-style: chr8-43016627-A-G.
Other names: c.540A>G, p.Ile180Met (NM_001363227.2, NM_001363228.2); c.-294A>G (NM_001363229.2); short protein forms I180M.
Identifiers: ClinVar variation 1051868 (VCV001051868.4), dbSNP rs1195940980, ClinGen allele CA371115822.

ClinVar aggregate classification (germline): Uncertain significance. Review status: criteria provided, single submitter (1 of 4 stars). 2 submissions from 2 submitters: Uncertain significance (1). 1 of the submissions does not count toward it. Last evaluated 2025-04-17.

Conditions:
Mucopolysaccharidosis, MPS-III-C (MPS3C). Also called: MPS IIIC (Sanfilippo Syndrome Type C); MUCOPOLYSACCHARIDOSIS, TYPE IIIC; Mucopolysaccharidosis type IIIC (Sanfilippo C); mucopolysaccharidosis type 3C; SANFILIPPO SYNDROME C; MPS III C. Identifiers: Orphanet 581, Orphanet 79271, MedGen C0086649, MONDO:0009657, OMIM 252930.
Retinitis pigmentosa 73 (RP73). Identifiers: Orphanet 791, MedGen C4225287, MONDO:0014687, OMIM 616544.

Allele frequency attached by ClinVar (database versions not stated): gnomAD exomes below 0.00001.
gnomAD v4.1: 3 of 1,610,056 alleles (0.00019%); highest among the groups gnomAD compares: African/African-American, 0.0013%; no homozygotes.

Submissions (2):

Labcorp Genetics (formerly Invitae), Labcorp
Classification: Uncertain significance for Retinitis pigmentosa 73; Mucopolysaccharidosis, MPS-III-C. Last evaluated: 2025-04-17. Review status: criteria provided, single submitter. Criteria: Invitae Variant Classification Sherloc (09022015). Collection method: clinical testing. Allele origin: germline.
Comment: This sequence change replaces isoleucine, which is neutral and non-polar, with methionine, which is neutral and non-polar, at codon 180 of the HGSNAT protein (p.Ile180Met). This variant is present in population databases (no rsID available, gnomAD 0.0009%). This variant has not been reported in the literature in individuals affected with HGSNAT-related conditions. ClinVar contains an entry for this variant (Variation ID: 1051868). Invitae Evidence Modeling of protein sequence and biophysical properties (such as structural, functional, and spatial information, amino acid conservation, physicochemical variation, residue mobility, and thermodynamic stability) indicates that this missense variant is not expected to disrupt HGSNAT protein function with a negative predictive value of 95%. In summary, the available evidence is currently insufficient to determine the role of this variant in disease. Therefore, it has been classified as a Variant of Uncertain Significance.

Natera, Inc.
Classification: Uncertain significance for Mucopolysaccharidosis type IIIC. Last evaluated: 2020-08-04. Review status: no assertion criteria provided. Collection method: clinical testing. Allele origin: germline. Not counted in ClinVar's aggregate classification.